The following is an entry in ClinVar:

NM_005726.6(TSFM):c.361-3C>T

Gene: TSFM (Ts translation elongation factor, mitochondrial; plus strand). Cytogenetic location: 12q14.1.
Variant type: single nucleotide variant.
Coding change: c.361-3C>T on transcript NM_005726.6 (MANE Select); 3 bases into the intron before coding-DNA position 361, C replaced by T.
Molecular consequence: intron variant.
Genome position (GRCh38, 1-based): chr12:57,787,037, C>T. VCF-style: chr12-57787037-C-T. GRCh37 (hg19) VCF-style: chr12-58180820-C-T.
Other names: c.361-3C>T (NM_001172697.2, NM_001172696.2, NM_001172695.2).
Identifiers: ClinVar variation 1505338 (VCV001505338.6), dbSNP rs2140417974, ClinGen allele CA2573148911.
Genomic context (GRCh38, chr12:57,787,037, plus strand): 5'-TTAAGGCACTTTTGGAAATTATCATTAAACAGCTTATACAGCTATATCAATTTGTTCCCA[C>T]AGGTAAACTGTGAGACAGATTTTGTTTCTAGAAATTTAAAATTTCAACTGTTGGTCCAGC-3'

ClinVar aggregate classification (germline): Uncertain significance (1 of 4 stars; one submission).

Submission:

Labcorp Genetics (formerly Invitae), Labcorp
Classification: Uncertain significance. Last evaluated: 2022-07-06. Review status: criteria provided, single submitter. Criteria: Invitae Variant Classification Sherloc (09022015). Collection method: clinical testing. Allele origin: germline.
Comment: Variants that disrupt the consensus splice site are a relatively common cause of aberrant splicing (PMID: 17576681, 9536098). Algorithms developed to predict the effect of sequence changes on RNA splicing suggest that this variant is not likely to affect RNA splicing. ClinVar contains an entry for this variant (Variation ID: 1505338). This variant has not been reported in the literature in individuals affected with TSFM-related conditions. This variant is not present in population databases (gnomAD no frequency). This sequence change falls in intron 3 of the TSFM gene. It does not directly change the encoded amino acid sequence of the TSFM protein. It affects a nucleotide within the consensus splice site. In summary, the available evidence is currently insufficient to determine the role of this variant in disease. Therefore, it has been classified as a Variant of Uncertain Significance.

Literature cited by the submitters: PubMed 17576681; PubMed 9536098.